The following is an entry in ClinVar:

NM_153002.3(GPR156):c.1681G>C (p.Glu561Gln)

Gene: GPR156 (G protein-coupled receptor 156; minus strand). Cytogenetic location: 3q13.33.
Variant type: single nucleotide variant.
Coding change: c.1681G>C on transcript NM_153002.3 (MANE Select); coding-DNA position 1681, G replaced by C.
Protein change: p.Glu561Gln; replaces glutamic acid 561 with glutamine.
Molecular consequence: missense variant.
Genome position (GRCh38, 1-based): chr3:120,167,796, C>G on the plus strand (G>C on the coding strand, the complement: GPR156 is on the minus strand). VCF-style: chr3-120167796-C-G. GRCh37 (hg19) VCF-style: chr3-119886643-C-G.
Other names: c.1669G>C, p.Glu557Gln (NM_001168271.2); short protein forms E557Q, E561Q.
Identifiers: ClinVar variation 4673185 (VCV004673185.2).
Genomic context (GRCh38, chr3:120,167,796, plus strand): 5'-AGGCAGCACTGTTCTTCCAGGTTTGCTGATGACAAGAGGGGGCGGTGGAGAGGGAAGCCT[C>G]AGGGCCCAGGCCCAGATCTTGTAAGACCTCCTGAAGTTTCTCCCTGATTACTGAACTAAC-3'
Protein context (NP_694547.2, residues 551-571): EVLQDLGLGP[Glu561Gln]ASLSTAPSCH

ClinVar aggregate classification (germline): Uncertain significance. Review status: criteria provided, multiple submitters, no conflicts (2 of 4 stars). 2 submissions from 2 submitters: Uncertain significance (2). Last evaluated 2025-11-19.

Conditions:
GPR156-related disorder. Also called: GPR156-related condition.

Submissions (2):

Ambry Genetics
Classification: Uncertain significance. Last evaluated: 2025-11-19. Review status: criteria provided, single submitter. Criteria: Ambry Variant Classification Scheme 2023. Collection method: clinical testing. Allele origin: germline.

PreventionGenetics, part of Exact Sciences
Classification: Uncertain significance for GPR156-related condition. Last evaluated: 2025-01-13. Review status: criteria provided, single submitter. Criteria: ACMG Guidelines, 2015. Collection method: clinical testing. Allele origin: germline.
Comment: The GPR156 c.1681G>C variant is predicted to result in the amino acid substitution p.Glu561Gln. To our knowledge, this variant has not been reported in the literature. This variant is reported in 0.0029% of alleles in individuals of Latino descent in gnomAD. At this time, the clinical significance of this variant is uncertain due to the absence of conclusive functional and genetic evidence.